The following is an entry in ClinVar:

ClinVar aggregate classification (germline): Uncertain significance (1 of 4 stars; one submission).

Allele frequency attached by ClinVar (database versions not stated): ExAC 0.00001; gnomAD exomes 0.00001; gnomAD 0.00003.
gnomAD v4.1: 11 of 1,609,422 alleles (0.00068%); highest among the groups gnomAD compares: Admixed American, 0.0084%; no homozygotes.

Submission:

Labcorp Genetics (formerly Invitae), Labcorp
Classification: Uncertain significance. Last evaluated: 2021-01-30. Review status: criteria provided, single submitter. Criteria: Invitae Variant Classification Sherloc (09022015). Collection method: clinical testing. Allele origin: germline.
Comment: In summary, the available evidence is currently insufficient to determine the role of this variant in disease. Therefore, it has been classified as a Variant of Uncertain Significance. Algorithms developed to predict the effect of missense changes on protein structure and function (SIFT, PolyPhen-2, Align-GVGD) all suggest that this variant is likely to be disruptive, but these predictions have not been confirmed by published functional studies and their clinical significance is uncertain. This variant has not been reported in the literature in individuals with LRIT3-related conditions. This variant is present in population databases (rs373408851, ExAC 0.002%). This sequence change replaces alanine with threonine at codon 323 of the LRIT3 protein (p.Ala323Thr). The alanine residue is highly conserved and there is a small physicochemical difference between alanine and threonine.

NM_198506.5(LRIT3):c.967G>A (p.Ala323Thr)

Gene: LRIT3 (leucine rich repeat, Ig-like and transmembrane domains 3; plus strand). Cytogenetic location: 4q25.
Variant type: single nucleotide variant.
Coding change: c.967G>A on transcript NM_198506.5 (MANE Select); coding-DNA position 967, G replaced by A.
Protein change: p.Ala323Thr; replaces alanine 323 with threonine.
Molecular consequence: missense variant.
Genome position (GRCh38, 1-based): chr4:109,869,716, G>A. VCF-style: chr4-109869716-G-A. GRCh37 (hg19) VCF-style: chr4-110790872-G-A.
Other names: short protein forms A323T.
Identifiers: ClinVar variation 1374524 (VCV001374524.8), dbSNP rs373408851, ClinGen allele CA3043107.